The following is an entry in ClinVar:

NM_000233.4(LHCGR):c.1123A>G (p.Met375Val)

Genes: LHCGR (luteinizing hormone/choriogonadotropin receptor; minus strand), STON1-GTF2A1L (STON1-GTF2A1L readthrough; plus strand). Cytogenetic location: 2p16.3.
Variant type: single nucleotide variant.
Coding change: c.1123A>G on transcript NM_000233.4 (MANE Select); coding-DNA position 1123, A replaced by G.
Protein change: p.Met375Val; replaces methionine 375 with valine.
Molecular consequence: missense variant. On other transcripts: intron variant (1).
Genome position (GRCh38, 1-based): chr2:48,688,674, T>C on the plus strand (A>G on the coding strand, the complement: LHCGR is on the minus strand). VCF-style: chr2-48688674-T-C. GRCh37 (hg19) VCF-style: chr2-48915813-T-C.
Other names: c.3441+16994T>C (NM_001198593.2); short protein forms M375V.
Identifiers: ClinVar variation 4535597 (VCV004535597.1).

ClinVar aggregate classification (germline): Uncertain significance (1 of 4 stars; one submission).

gnomAD v4.1: 8 of 1,614,190 alleles (0.0005%); highest among the groups gnomAD compares: Non-Finnish European, 0.00068%; no homozygotes.

Submission:

Women's Health and Genetics/Laboratory Corporation of America, LabCorp
Classification: Uncertain significance. Last evaluated: 2025-09-11. Review status: criteria provided, single submitter. Criteria: LabCorp Variant Classification Summary - May 2015. Collection method: clinical testing. Allele origin: germline.
Comment: Variant summary: LHCGR c.1123A>G (p.Met375Val) results in a conservative amino acid change in the encoded protein sequence. Algorithms developed to predict the effect of missense changes on protein structure and function all suggest that this variant is likely to be tolerated. The variant was absent in 251402 control chromosomes. The available data on variant occurrences in the general population are insufficient to allow any conclusion about variant significance. To our knowledge, no occurrence of c.1123A>G in individuals affected with LHCGR-related conditions and no experimental evidence demonstrating its impact on protein function have been reported. No submitters have cited clinical-significance assessments for this variant to ClinVar. Based on the evidence outlined above, the variant was classified as uncertain significance.